The following is an entry in ClinVar:

ClinVar aggregate classification (germline): Pathogenic (1 of 4 stars; one submission).

Conditions:
BBS2-related ciliopathy. Identifiers: MedGen CN378634, MONDO:1040048.

Submission:

Myriad Genetics, Inc.
Classification: Pathogenic for BBS2-related ciliopathy. Last evaluated: 2024-02-03. Review status: criteria provided, single submitter. Criteria: Myriad Autosomal Dominant, Autosomal Recessive and X-Linked Classification Criteria (2023). Collection method: clinical testing. Allele origin: unknown.
Comment: NM_031885.3(BBS2):c.1153_1154delAC(T385Hfs*9) is expected to be pathogenic in the context of Bardet-Biedl syndrome, BBS2-related. This variant is predicted to lead to an abnormal or absent protein product due to the creation of a premature termination codon in BBS2, a gene where loss-of-function variants are known to be pathogenic. Please note: this variant was assessed in the context of healthy population screening.

NM_031885.5(BBS2):c.1153_1154del (p.Thr385fs)

Gene: BBS2 (Bardet-Biedl syndrome 2; minus strand). Cytogenetic location: 16q13.
Variant type: Microsatellite.
Coding change: c.1153_1154del on transcript NM_031885.5 (MANE Select); coding-DNA positions 1153 to 1154, 2 bases deleted (AC; older notation c.1153_1154delAC).
Protein change: p.Thr385fs; shifts the reading frame from threonine 385.
Molecular consequence: frameshift variant. On other transcripts: non-coding transcript variant (5).
Genome position (GRCh38, 1-based): chr16:56,501,424-56,501,425, GT deleted on the plus strand (AC on the coding strand, the reverse complement: BBS2 is on the minus strand); deleting any 2 consecutive bases within chr16:56,501,424-56,501,428 gives the same sequence; the c. name uses the placement nearest the transcript's 3' end. VCF-style (leftmost placement, unchanged base first): chr16-56501423-GGT-G. GRCh37 (hg19) VCF-style: chr16-56535335-GGT-G.
Other names: c.1153_1154del, p.Thr385fs (NM_001377456.1); short protein forms T385fs.
Identifiers: ClinVar variation 5012708 (VCV005012708.1).